The following is an entry in ClinVar:

NM_001372043.1(PCSK5):c.5628G>A (p.Leu1876=)

Gene: PCSK5 (proprotein convertase subtilisin/kexin type 5; plus strand). Cytogenetic location: 9q21.13.
Variant type: single nucleotide variant.
Coding change: c.5628G>A on transcript NM_001372043.1 (MANE Select); coding-DNA position 5628, G replaced by A.
Protein change: p.Leu1876=; no amino-acid change (leucine 1876 retained).
Molecular consequence: synonymous variant.
Genome position (GRCh38, 1-based): chr9:76,358,886, G>A. VCF-style: chr9-76358886-G-A. GRCh37 (hg19) VCF-style: chr9-78973802-G-A.
Other names: c.5547G>A, p.Leu1849= (NM_001190482.2).
Identifiers: ClinVar variation 4085040 (VCV004085040.8).

ClinVar aggregate classification (germline): Likely benign (1 of 4 stars; one submission).

gnomAD v4.1: 7 of 1,612,768 alleles (0.00043%); highest among the groups gnomAD compares: East Asian, 0.0045%; no homozygotes.

Submission:

CeGaT Center for Human Genetics Tuebingen
Classification: Likely benign. Last evaluated: 2025-07-01. Review status: criteria provided, single submitter. Criteria: CeGaT Center For Human Genetics Tuebingen Variant Classification Criteria Version 2. Collection method: clinical testing. Allele origin: germline. Affected: yes. Observed: 1 variant allele.
Comment: PCSK5: BP4, BP7